The following is an entry in ClinVar:

NM_001369.3(DNAH5):c.4574T>G (p.Leu1525Arg)

Genes: DNAH5 (dynein axonemal heavy chain 5; minus strand), DNAH5-AS1 (DNAH5 antisense RNA 1; plus strand). Cytogenetic location: 5p15.2.
Variant type: single nucleotide variant.
Coding change: c.4574T>G on transcript NM_001369.3 (MANE Select); coding-DNA position 4574, T replaced by G.
Protein change: p.Leu1525Arg; replaces leucine 1525 with arginine.
Molecular consequence: missense variant.
Genome position (GRCh38, 1-based): chr5:13,864,419, A>C on the plus strand (T>G on the coding strand, the complement: DNAH5 is on the minus strand). VCF-style: chr5-13864419-A-C. GRCh37 (hg19) VCF-style: chr5-13864528-A-C.
Other names: short protein forms L1525R.
Identifiers: ClinVar variation 2501960 (VCV002501960.4), dbSNP rs749792446, ClinGen allele CA3203948.

ClinVar aggregate classification (germline): Uncertain significance. Review status: criteria provided, multiple submitters, no conflicts (2 of 4 stars). 2 submissions from 2 submitters: Uncertain significance (2). Last evaluated 2025-08-09.

Conditions:
Primary ciliary dyskinesia. Also called: Ciliary dyskinesia. Identifiers: Orphanet 244, MedGen C0008780, MONDO:0016575, HP:0012265.

Allele frequency attached by ClinVar (database versions not stated): ExAC 0.00002; gnomAD 0.00003.
gnomAD v4.1: 26 of 1,613,948 alleles (0.0016%); highest among the groups gnomAD compares: Non-Finnish European, 0.0021%; no homozygotes.

Submissions (2):

Ambry Genetics
Classification: Uncertain significance for Primary ciliary dyskinesia. Last evaluated: 2025-08-09. Review status: criteria provided, single submitter. Criteria: Ambry Variant Classification Scheme 2023. Collection method: clinical testing. Allele origin: germline.

GeneDx
Classification: Uncertain significance. Last evaluated: 2022-11-11. Review status: criteria provided, single submitter. Criteria: GeneDx Variant Classification Process June 2021. Collection method: clinical testing. Allele origin: germline. Affected: yes.
Comment: Has not been previously published as pathogenic or benign to our knowledge; In silico analysis supports that this missense variant has a deleterious effect on protein structure/function